The following is an entry in ClinVar:

ClinVar aggregate classification (germline): Likely pathogenic (1 of 4 stars; one submission).

Submission:

Genetic Services Laboratory, University of Chicago
Classification: Likely pathogenic. Last evaluated: 2020-03-18. Review status: criteria provided, single submitter. Criteria: ACMG Guidelines, 2015. Collection method: clinical testing. Allele origin: germline. Affected: yes.
Comment: DNA sequence analysis of the DDX41 gene demonstrated a single base pair deletion, c.1721del, in exon 16 that results in an amino acid frameshift and the creation of a premature stop codon 142 amino acids downstream of the deletion, p.Leu574Argfs*143. The p.Leu574Arg*fs143 change is predicted to result in an abnormal transcript, which may be degraded, or may lead to the production of a truncated DDX41 protein with potentially abnormal function. This sequence change, and other frameshift deletions and duplications in this region of the DDX41 gene, do not appear to have been previously described in patients with DDX41-related disorders. This sequence change has also not been described in population databases (gnomAD, ExAC). These collective evidences indicate that this sequence change is likely pathogenic, however functional studies have not been performed to prove this conclusively.

NM_016222.4(DDX41):c.1721del (p.Leu574fs)

Gene: DDX41 (DEAD-box helicase 41; minus strand). Cytogenetic location: 5q35.3.
Variant type: Deletion.
Coding change: c.1721del on transcript NM_016222.4 (MANE Select); coding-DNA position 1721, one base deleted (T; older notation c.1721delT).
Protein change: p.Leu574fs; shifts the reading frame from leucine 574.
Molecular consequence: frameshift variant.
Genome position (GRCh38, 1-based): chr5:177,512,107, A deleted on the plus strand (T on the coding strand, the reverse complement: DDX41 is on the minus strand). VCF-style (leftmost placement, unchanged base first): chr5-177512106-CA-C. GRCh37 (hg19) VCF-style: chr5-176939107-CA-C.
Other names: c.1343del, p.Leu448fs (NM_001321732.2, NM_001321830.2); short protein forms L448fs, L574fs.
Identifiers: ClinVar variation 1338572 (VCV001338572.4), dbSNP rs2127435669, ClinGen allele CA2573052484.